The following is an entry in ClinVar:

ClinVar aggregate classification (germline): Likely benign (0 of 4 stars; one submission).

Conditions:
PRODH2-related disorder. Also called: PRODH2-related condition.

Allele frequency attached by ClinVar (database versions not stated): ExAC 0.00153; gnomAD 0.00491; TOPMed 0.00512; ESP Exome Variant Server 0.00715; 1000 Genomes Project 30x 0.00828; 1000 Genomes Project 0.00839.

Submission:

PreventionGenetics, part of Exact Sciences
Classification: Likely benign for PRODH2-related condition. Last evaluated: 2019-09-26. Review status: no assertion criteria provided. Collection method: clinical testing. Allele origin: germline.
Comment: This variant is classified as likely benign based on ACMG/AMP sequence variant interpretation guidelines (Richards et al. 2015 PMID: 25741868, with internal and published modifications).

NM_021232.2(PRODH2):c.590C>G (p.Ser197Cys)

Gene: PRODH2 (proline dehydrogenase 2; minus strand). Cytogenetic location: 19q13.12.
Variant type: single nucleotide variant.
Coding change: c.590C>G on transcript NM_021232.2 (MANE Select); coding-DNA position 590, C replaced by G.
Protein change: p.Ser197Cys; replaces serine 197 with cysteine.
Molecular consequence: missense variant.
Genome position (GRCh38, 1-based): chr19:35,811,969, G>C on the plus strand (C>G on the coding strand, the complement: PRODH2 is on the minus strand). VCF-style: chr19-35811969-G-C. GRCh37 (hg19) VCF-style: chr19-36302871-G-C.
Other names: c.590C>G, p.Ser197Cys (NM_001378293.1, NM_001378294.1, NM_001378292.1); short protein forms S197C.
Identifiers: ClinVar variation 3037535 (VCV003037535.2), dbSNP rs116583133, ClinGen allele CA9389377.